The following is an entry in ClinVar:

NM_004336.5(BUB1):c.3029G>A (p.Gly1010Glu)

Gene: BUB1 (BUB1 mitotic checkpoint serine/threonine kinase; minus strand). Cytogenetic location: 2q13.
Variant type: single nucleotide variant.
Coding change: c.3029G>A on transcript NM_004336.5 (MANE Select); coding-DNA position 3029, G replaced by A.
Protein change: p.Gly1010Glu; replaces glycine 1010 with glutamic acid.
Molecular consequence: missense variant.
Genome position (GRCh38, 1-based): chr2:110,639,775, C>T on the plus strand (G>A on the coding strand, the complement: BUB1 is on the minus strand). VCF-style: chr2-110639775-C-T. GRCh37 (hg19) VCF-style: chr2-111397352-C-T.
Other names: c.2969G>A, p.Gly990Glu (NM_001278616.2); c.2858G>A, p.Gly953Glu (NM_001278617.2); short protein forms G990E, G1010E, G953E.
Identifiers: ClinVar variation 1798992 (VCV001798992.2), dbSNP rs1321410370, ClinGen allele CA348088733.

ClinVar aggregate classification (germline): Uncertain significance (1 of 4 stars; one submission).

Allele frequency attached by ClinVar (database versions not stated): gnomAD exomes below 0.00001; gnomAD 0.00001; TOPMed 0.00003.
gnomAD v4.1: 3 of 1,613,882 alleles (0.00019%); highest among the groups gnomAD compares: Non-Finnish European, 0.00025%; no homozygotes.

Submission:

Ambry Genetics
Classification: Uncertain significance. Last evaluated: 2024-03-02. Review status: criteria provided, single submitter. Criteria: Ambry Variant Classification Scheme 2023. Collection method: clinical testing. Allele origin: germline.
Comment: The p.G1010E variant (also known as c.3029G>A), located in coding exon 24 of the BUB1 gene, results from a G to A substitution at nucleotide position 3029. The glycine at codon 1010 is replaced by glutamic acid, an amino acid with similar properties. This amino acid position is conserved. In addition, this alteration is predicted to be tolerated by in silico analysis. Since supporting evidence is limited at this time, the clinical significance of this alteration remains unclear.